The following is an entry in ClinVar:

ClinVar aggregate classification (germline): Uncertain significance (1 of 4 stars; one submission).

Allele frequency attached by ClinVar (database versions not stated): gnomAD exomes below 0.00001.
gnomAD v4.1: 4 of 1,203,630 alleles (0.00033%); highest among the groups gnomAD compares: Non-Finnish European, 0.00045%; no homozygotes.

Submission:

Labcorp Genetics (formerly Invitae), Labcorp
Classification: Uncertain significance. Last evaluated: 2023-08-17. Review status: criteria provided, single submitter. Criteria: Invitae Variant Classification Sherloc (09022015). Collection method: clinical testing. Allele origin: germline.
Comment: This sequence change replaces serine, which is neutral and polar, with asparagine, which is neutral and polar, at codon 718 of the RBM10 protein (p.Ser718Asn). This variant is not present in population databases (gnomAD no frequency). This variant has not been reported in the literature in individuals affected with RBM10-related conditions. ClinVar contains an entry for this variant (Variation ID: 2057695). Advanced modeling of protein sequence and biophysical properties (such as structural, functional, and spatial information, amino acid conservation, physicochemical variation, residue mobility, and thermodynamic stability) performed at Invitae indicates that this missense variant is not expected to disrupt RBM10 protein function. In summary, the available evidence is currently insufficient to determine the role of this variant in disease. Therefore, it has been classified as a Variant of Uncertain Significance.

NM_005676.5(RBM10):c.2153G>A (p.Ser718Asn)

Gene: RBM10 (RNA binding motif protein 10; plus strand). Cytogenetic location: Xp11.3.
Variant type: single nucleotide variant.
Coding change: c.2153G>A on transcript NM_005676.5 (MANE Select); coding-DNA position 2153, G replaced by A.
Protein change: p.Ser718Asn; replaces serine 718 with asparagine.
Molecular consequence: missense variant.
Genome position (GRCh38, 1-based): chrX:47,185,354, G>A. VCF-style: chrX-47185354-G-A. GRCh37 (hg19) VCF-style: chrX-47044753-G-A.
Other names: c.1922G>A, p.Ser641Asn (NM_001204466.2); c.2150G>A, p.Ser717Asn (NM_001204467.2); c.2348G>A, p.Ser783Asn (NM_001204468.2); c.1919G>A, p.Ser640Asn (NM_152856.3); short protein forms S717N, S718N, S783N, S641N, S640N.
Identifiers: ClinVar variation 2057695 (VCV002057695.4), dbSNP rs2147213934, ClinGen allele CA412806841.